The following is an entry in ClinVar:

NM_006031.6(PCNT):c.3104G>A (p.Arg1035Gln)

Gene: PCNT (pericentrin; plus strand). Cytogenetic location: 21q22.3.
Variant type: single nucleotide variant.
Coding change: c.3104G>A on transcript NM_006031.6 (MANE Select); coding-DNA position 3104, G replaced by A.
Protein change: p.Arg1035Gln; replaces arginine 1035 with glutamine.
Molecular consequence: missense variant.
Genome position (GRCh38, 1-based): chr21:46,367,078, G>A. VCF-style: chr21-46367078-G-A. GRCh37 (hg19) VCF-style: chr21-47786993-G-A.
Other names: c.2750G>A, p.Arg917Gln (NM_001315529.2); c.3104G>A (NM_006031.5); short protein forms R917Q, R1035Q.
Identifiers: ClinVar variation 2144089 (VCV002144089.2), dbSNP rs758557613, ClinGen allele CA10079172.

ClinVar aggregate classification (germline): Uncertain significance. Review status: criteria provided, single submitter (1 of 4 stars). 2 submissions from 2 submitters: Uncertain significance (1). 1 of the submissions does not count toward it. Last evaluated 2022-09-30.

Conditions:
PCNT-related disorder. Also called: PCNT-related condition.

Allele frequency attached by ClinVar (database versions not stated): ExAC 0.00002; gnomAD exomes 0.00002; gnomAD 0.00004; TOPMed 0.00004.

Submissions (2):

Labcorp Genetics (formerly Invitae), Labcorp
Classification: Uncertain significance. Last evaluated: 2022-09-30. Review status: criteria provided, single submitter. Criteria: Invitae Variant Classification Sherloc (09022015). Collection method: clinical testing. Allele origin: germline.
Comment: This sequence change replaces arginine, which is basic and polar, with glutamine, which is neutral and polar, at codon 1035 of the PCNT protein (p.Arg1035Gln). This variant is present in population databases (rs758557613, gnomAD 0.03%). This variant has not been reported in the literature in individuals affected with PCNT-related conditions. Algorithms developed to predict the effect of missense changes on protein structure and function output the following: SIFT: "Tolerated"; PolyPhen-2: "Benign"; Align-GVGD: "Class C0". The glutamine amino acid residue is found in multiple mammalian species, which suggests that this missense change does not adversely affect protein function. In summary, the available evidence is currently insufficient to determine the role of this variant in disease. Therefore, it has been classified as a Variant of Uncertain Significance.

PreventionGenetics, part of Exact Sciences
Classification: Uncertain significance for PCNT-related condition. Last evaluated: 2024-06-27. Review status: no assertion criteria provided. Collection method: clinical testing. Allele origin: germline. Not counted in ClinVar's aggregate classification.
Comment: The PCNT c.3104G>A variant is predicted to result in the amino acid substitution p.Arg1035Gln. To our knowledge, this variant has not been reported in the literature. This variant is reported in 0.024% of alleles in individuals of African descent in gnomAD. At this time, the clinical significance of this variant is uncertain due to the absence of conclusive functional and genetic evidence.